The following is an entry in ClinVar:

NM_000545.8(HNF1A):c.502C>T (p.Arg168Cys)

Gene: HNF1A (HNF1 homeobox A; plus strand). Cytogenetic location: 12q24.31.
Variant type: single nucleotide variant.
Coding change: c.502C>T on transcript NM_000545.8 (MANE Select); coding-DNA position 502, C replaced by T.
Protein change: p.Arg168Cys; replaces arginine 168 with cysteine.
Molecular consequence: missense variant.
Genome position (GRCh38, 1-based): chr12:120,989,008, C>T. VCF-style: chr12-120989008-C-T. GRCh37 (hg19) VCF-style: chr12-121426811-C-T.
Other names: c.502C>T, p.Arg168Cys (NM_001306179.2, NM_001406915.1); short protein forms R168C.
Identifiers: ClinVar variation 2080706 (VCV002080706.2), dbSNP rs764434453, ClinGen allele CA6831761.

ClinVar aggregate classification (germline): Uncertain significance. Review status: criteria provided, multiple submitters, no conflicts (2 of 4 stars). 2 submissions from 2 submitters: Uncertain significance (2). Last evaluated 2023-10-11.

Allele frequency attached by ClinVar (database versions not stated): ExAC 0.00001; gnomAD exomes 0.00001; TOPMed 0.00002; gnomAD 0.00003.
gnomAD v4.1: 15 of 1,614,068 alleles (0.00093%); highest among the groups gnomAD compares: Admixed American, 0.0033%; no homozygotes.

Submissions (2):

Blueprint Genetics
Classification: Uncertain significance. Last evaluated: 2023-10-11. Review status: criteria provided, single submitter. Criteria: ACMG Guidelines, 2015. Collection method: clinical testing. Allele origin: germline.

Labcorp Genetics (formerly Invitae), Labcorp
Classification: Uncertain significance. Last evaluated: 2022-07-21. Review status: criteria provided, single submitter. Criteria: Invitae Variant Classification Sherloc (09022015). Collection method: clinical testing. Allele origin: germline.
Comment: This sequence change replaces arginine, which is basic and polar, with cysteine, which is neutral and slightly polar, at codon 168 of the HNF1A protein (p.Arg168Cys). This variant is present in population databases (rs764434453, gnomAD 0.002%). This missense change has been observed in individual(s) with dyslipidemias (PMID: 32041611). Advanced modeling of protein sequence and biophysical properties (such as structural, functional, and spatial information, amino acid conservation, physicochemical variation, residue mobility, and thermodynamic stability) performed at Invitae indicates that this missense variant is expected to disrupt HNF1A protein function. In summary, the available evidence is currently insufficient to determine the role of this variant in disease. Therefore, it has been classified as a Variant of Uncertain Significance.

Literature cited by the submitters: PubMed 32041611 (cited by Labcorp Genetics (formerly Invitae), Labcorp).